The following is an entry in ClinVar:

ClinVar aggregate classification (germline): Uncertain significance. Review status: criteria provided, multiple submitters, no conflicts (2 of 4 stars). 2 submissions from 2 submitters: Uncertain significance (2). Last evaluated 2026-06-02.

Conditions:
KBG syndrome (KBGS). Also called: ANKRD11-Related KBG Syndrome. Identifiers: Orphanet 2332, MedGen C0220687, MONDO:0007846, OMIM 148050.

Allele frequency attached by ClinVar (database versions not stated): gnomAD exomes 0.00001; ExAC 0.00001.
gnomAD v4.1: 7 of 1,612,090 alleles (0.00043%); highest among the groups gnomAD compares: South Asian, 0.0022%; no homozygotes.

Submissions (2):

Women's Health and Genetics/Laboratory Corporation of America, LabCorp
Classification: Uncertain significance. Last evaluated: 2026-06-02. Review status: criteria provided, single submitter. Criteria: LabCorp Variant Classification Summary - May 2015. Collection method: clinical testing. Allele origin: germline.
Comment: Variant summary: ANKRD11 c.4495G>A (p.Glu1499Lys) results in a conservative amino acid change in the encoded protein sequence. Algorithms developed to predict the effect of missense changes on protein structure and function are either unavailable or do not agree on the potential impact of this missense change. The variant allele was found at a frequency of 8e-06 in 250972 control chromosomes. The available data on variant occurrences in the general population are insufficient to allow any conclusion about variant significance. c.4495G>A has been observed in at least one individual affected with heterotaxy syndrome and congenital heart defects, without strong evidence of causality (example: Sierant_2025). This report does not provide unequivocal conclusions about association of the variant with disease. To our knowledge, no experimental evidence demonstrating an impact on protein function has been reported. The following publication has been ascertained in the context of this evaluation (PMID: 40127276). ClinVar contains an entry for this variant (Variation ID: 1931572). Based on the evidence outlined above, the variant was classified as uncertain significance.

Labcorp Genetics (formerly Invitae), Labcorp
Classification: Uncertain significance for KBG syndrome. Last evaluated: 2024-05-15. Review status: criteria provided, single submitter. Criteria: Invitae Variant Classification Sherloc (09022015). Collection method: clinical testing. Allele origin: germline.
Comment: This sequence change replaces glutamic acid, which is acidic and polar, with lysine, which is basic and polar, at codon 1499 of the ANKRD11 protein (p.Glu1499Lys). This variant is present in population databases (rs764027589, gnomAD 0.003%). This variant has not been reported in the literature in individuals affected with ANKRD11-related conditions. ClinVar contains an entry for this variant (Variation ID: 1931572). Advanced modeling of protein sequence and biophysical properties (such as structural, functional, and spatial information, amino acid conservation, physicochemical variation, residue mobility, and thermodynamic stability) performed at Invitae indicates that this missense variant is not expected to disrupt ANKRD11 protein function with a negative predictive value of 95%. In summary, the available evidence is currently insufficient to determine the role of this variant in disease. Therefore, it has been classified as a Variant of Uncertain Significance.

Literature cited by the submitters: PubMed 40127276 (cited by Women's Health and Genetics/Laboratory Corporation of America, LabCorp).

NM_013275.6(ANKRD11):c.4495G>A (p.Glu1499Lys)

Gene: ANKRD11 (ankyrin repeat domain 11; minus strand). Cytogenetic location: 16q24.3.
Variant type: single nucleotide variant.
Coding change: c.4495G>A on transcript NM_013275.6 (MANE Select); coding-DNA position 4495, G replaced by A.
Protein change: p.Glu1499Lys; replaces glutamic acid 1499 with lysine.
Molecular consequence: missense variant.
Genome position (GRCh38, 1-based): chr16:89,282,047, C>T on the plus strand (G>A on the coding strand, the complement: ANKRD11 is on the minus strand). VCF-style: chr16-89282047-C-T. GRCh37 (hg19) VCF-style: chr16-89348455-C-T.
Other names: c.4495G>A, p.Glu1499Lys (NM_001256182.2, NM_001256183.2); short protein forms E1499K.
Identifiers: ClinVar variation 1931572 (VCV001931572.6), dbSNP rs764027589, ClinGen allele CA8242097.